The following is an entry in ClinVar:

ClinVar aggregate classification (germline): Conflicting classifications of pathogenicity. Review status: criteria provided, conflicting classifications (1 of 4 stars). 4 submissions from 4 submitters: Pathogenic (1); Uncertain significance (3). Last evaluated 2024-02-06.

Conditions:
Spastic paraplegia. Identifiers: MedGen C0037772, HP:0001258.
Inborn genetic diseases. Identifiers: MedGen C0950123, MeSH D030342.
Hereditary spastic paraplegia 56. Also called: SPASTIC PARAPLEGIA 56, AUTOSOMAL RECESSIVE, WITH OR WITHOUT PSEUDOXANTHOMA ELASTICUM; Spastic paraplegia 56, autosomal recessive; Spastic Paraplegia 56. Identifiers: Orphanet 320411, MedGen C3539507, MONDO:0014015, OMIM 615030.

Allele frequency attached by ClinVar (database versions not stated): ExAC 0.00002; gnomAD 0.00002 and 0.00003; gnomAD exomes 0.00002; TOPMed 0.00004; ESP Exome Variant Server 0.00015.
gnomAD v4.1: 29 of 1,613,784 alleles (0.0018%); highest among the groups gnomAD compares: South Asian, 0.0033%; no homozygotes.

Submissions (4):

Ambry Genetics
Classification: Uncertain significance for Inborn genetic diseases. Last evaluated: 2024-02-06. Review status: criteria provided, single submitter. Criteria: Ambry Variant Classification Scheme 2023. Collection method: clinical testing. Allele origin: germline.

Labcorp Genetics (formerly Invitae), Labcorp
Classification: Uncertain significance for Spastic paraplegia. Last evaluated: 2021-02-24. Review status: criteria provided, single submitter. Criteria: Invitae Variant Classification Sherloc (09022015). Collection method: clinical testing. Allele origin: germline.
Comment: This sequence change replaces arginine with histidine at codon 240 of the CYP2U1 protein (p.Arg240His). The arginine residue is highly conserved and there is a small physicochemical difference between arginine and histidine. This variant is present in population databases (rs145638445, ExAC 0.003%). This variant has not been reported in the literature in individuals with CYP2U1-related conditions. Algorithms developed to predict the effect of missense changes on protein structure and function (SIFT, PolyPhen-2, Align-GVGD) all suggest that this variant is likely to be disruptive, but these predictions have not been confirmed by published functional studies and their clinical significance is uncertain. In summary, the available evidence is currently insufficient to determine the role of this variant in disease. Therefore, it has been classified as a Variant of Uncertain Significance.

Blueprint Genetics
Classification: Uncertain significance. Last evaluated: 2020-05-06. Review status: criteria provided, single submitter. Criteria: ACMG Guidelines, 2015. Collection method: clinical testing. Allele origin: germline.

Paris Brain Institute, Inserm - ICM
Classification: Pathogenic for Hereditary spastic paraplegia 56. Review status: criteria provided, single submitter. Criteria: ACMG Guidelines, 2015. Collection method: clinical testing. Allele origin: unknown. Affected: yes. Observed: 1 variant allele.

NM_183075.3(CYP2U1):c.719G>A (p.Arg240His)

Gene: CYP2U1 (cytochrome P450 family 2 subfamily U member 1; plus strand). Cytogenetic location: 4q25.
Variant type: single nucleotide variant.
Coding change: c.719G>A on transcript NM_183075.3 (MANE Select); coding-DNA position 719, G replaced by A.
Protein change: p.Arg240His; replaces arginine 240 with histidine.
Molecular consequence: missense variant.
Genome position (GRCh38, 1-based): chr4:107,945,198, G>A. VCF-style: chr4-107945198-G-A. GRCh37 (hg19) VCF-style: chr4-108866354-G-A.
Other names: c.719G>A (NM_183075.2); short protein forms R240H.
Identifiers: ClinVar variation 989060 (VCV000989060.11), dbSNP rs145638445, ClinGen allele CA3037049.